The following is an entry in ClinVar:

NM_032242.4(PLXNA1):c.5675T>C (p.Met1892Thr)

Gene: PLXNA1 (plexin A1; plus strand). Cytogenetic location: 3q21.3.
Variant type: single nucleotide variant.
Coding change: c.5675T>C on transcript NM_032242.4 (MANE Select); coding-DNA position 5675, T replaced by C.
Protein change: p.Met1892Thr; replaces methionine 1892 with threonine.
Molecular consequence: missense variant.
Genome position (GRCh38, 1-based): chr3:127,034,001, T>C. VCF-style: chr3-127034001-T-C. GRCh37 (hg19) VCF-style: chr3-126752844-T-C.
Other names: short protein forms M1892T.
Identifiers: ClinVar variation 4983805 (VCV004983805.1).
Genomic context (GRCh38, chr3:127,034,001, plus strand): 5'-AGGATGAGCAGGCGCGGCGGCAGCGGCTGCGGAGCAAGCTGGAGCAGGTGGTGGACACGA[T>C]GGCCCTGAGCAGCTGAGCCCCAGCTGTGATCATCCAGCATGATGCAGCGTGAGGACAGCT-3'
Protein context (NP_115618.3, residues 1882-1896): RSKLEQVVDT[Met1892Thr]ALSS

ClinVar aggregate classification (germline): Uncertain significance (1 of 4 stars; one submission).

Conditions:
PLXNA1-related disorder. Also called: PLXNA1-related condition.

Submission:

PreventionGenetics, part of Exact Sciences
Classification: Uncertain significance for PLXNA1-related condition. Last evaluated: 2026-02-03. Review status: criteria provided, single submitter. Criteria: ACMG Guidelines, 2015. Collection method: clinical testing. Allele origin: germline.
Comment: The PLXNA1 c.5675T>C variant is predicted to result in the amino acid substitution p.Met1892Thr. To our knowledge, this variant has not been reported in the literature or in a large population database (gnomAD), indicating this variant is rare. At this time, the clinical significance of this variant is uncertain due to the absence of conclusive functional and genetic evidence.